The following is an entry in ClinVar:

ClinVar aggregate classification (germline): Uncertain significance. Review status: criteria provided, multiple submitters, no conflicts (2 of 4 stars). 5 submissions from 5 submitters: Uncertain significance (4). 1 of the submissions does not count toward it. Last evaluated 2026-01-24.

Conditions:
Bloom syndrome (BLM). Also called: Bloom-Torre-Machacek syndrome. Identifiers: Orphanet 125, MedGen C0005859, MONDO:0008876, OMIM 210900.
Hereditary cancer-predisposing syndrome. Also called: Neoplastic Syndromes, Hereditary; Tumor predisposition; Hereditary neoplastic syndrome; Hereditary Cancer Syndrome. Identifiers: Orphanet 140162, MedGen C0027672, MeSH D009386, MONDO:0015356.

Allele frequency attached by ClinVar (database versions not stated): gnomAD below 0.00001 and 0.00001; ExAC 0.00001; gnomAD exomes 0.00001; TOPMed 0.00001.
gnomAD v4.1: 10 of 1,613,826 alleles (0.00062%); highest among the groups gnomAD compares: South Asian, 0.0022%; no homozygotes.

Submissions (5):

Labcorp Genetics (formerly Invitae), Labcorp
Classification: Uncertain significance for Bloom syndrome. Last evaluated: 2026-01-24. Review status: criteria provided, single submitter. Criteria: Invitae Variant Classification Sherloc (09022015). Collection method: clinical testing. Allele origin: germline.
Comment: This sequence change replaces isoleucine, which is neutral and non-polar, with serine, which is neutral and polar, at codon 847 of the BLM protein (p.Ile847Ser). This variant is present in population databases (rs756664681, gnomAD 0.003%). This variant has not been reported in the literature in individuals affected with BLM-related conditions. ClinVar contains an entry for this variant (Variation ID: 581328). Invitae Evidence Modeling of protein sequence and biophysical properties (such as structural, functional, and spatial information, amino acid conservation, physicochemical variation, residue mobility, and thermodynamic stability) indicates that this missense variant is not expected to disrupt BLM protein function with a negative predictive value of 80%. In summary, the available evidence is currently insufficient to determine the role of this variant in disease. Therefore, it has been classified as a Variant of Uncertain Significance.

Quest Diagnostics Nichols Institute San Juan Capistrano
Classification: Uncertain significance. Last evaluated: 2025-10-29. Review status: criteria provided, single submitter. Criteria: Quest Diagnostics criteria. Collection method: clinical testing. Allele origin: unknown.
Comment: The BLM c.2540T>G (p.Ile847Ser) variant has not been reported in individuals with BLM-related conditions in the published literature. However, this variant has been identified in a reportedly unaffected individual (PMID: 37349538 (2023)). The frequency of this variant in the general population (Genome Aggregation Database) is uninformative in the assessment of its pathogenicity. Analysis of this variant using bioinformatics tools for the prediction of the effect of amino acid changes on protein structure and function yielded conflicting predictions that this variant is benign or damaging. Based on the available information, we are unable to determine the clinical significance of this variant.

GeneDx
Classification: Uncertain significance. Last evaluated: 2023-04-27. Review status: criteria provided, single submitter. Criteria: GeneDx Variant Classification Process June 2021. Collection method: clinical testing. Allele origin: germline. Affected: yes.
Comment: Not observed at significant frequency in large population cohorts (gnomAD); In silico analysis supports that this missense variant has a deleterious effect on protein structure/function; Has not been previously published as pathogenic or benign to our knowledge

Ambry Genetics
Classification: Uncertain significance for Hereditary cancer-predisposing syndrome. Last evaluated: 2022-03-14. Review status: criteria provided, single submitter. Criteria: Ambry Variant Classification Scheme 2023. Collection method: clinical testing. Allele origin: germline.
Comment: The p.I847S variant (also known as c.2540T>G), located in coding exon 11 of the BLM gene, results from a T to G substitution at nucleotide position 2540. The isoleucine at codon 847 is replaced by serine, an amino acid with dissimilar properties. This amino acid position is not well conserved in available vertebrate species. In addition, this alteration is predicted to be tolerated by in silico analysis. Since supporting evidence is limited at this time, the clinical significance of this alteration remains unclear.

Natera, Inc.
Classification: Uncertain significance for Bloom syndrome. Last evaluated: 2018-10-27. Review status: no assertion criteria provided. Collection method: clinical testing. Allele origin: germline. Not counted in ClinVar's aggregate classification.

Literature cited by the submitters: PubMed 37349538 (cited by Quest Diagnostics Nichols Institute San Juan Capistrano).

NM_000057.4(BLM):c.2540T>G (p.Ile847Ser)

Gene: BLM (BLM RecQ like helicase; plus strand). Cytogenetic location: 15q26.1.
Variant type: single nucleotide variant.
Coding change: c.2540T>G on transcript NM_000057.4 (MANE Select); coding-DNA position 2540, T replaced by G.
Protein change: p.Ile847Ser; replaces isoleucine 847 with serine.
Molecular consequence: missense variant.
Genome position (GRCh38, 1-based): chr15:90,769,571, T>G. VCF-style: chr15-90769571-T-G. GRCh37 (hg19) VCF-style: chr15-91312801-T-G.
Other names: c.2540T>G, p.Ile847Ser (NM_001287246.2, NM_001287247.2); c.1415T>G, p.Ile472Ser (NM_001287248.2); short protein forms I847S, I472S.
Identifiers: ClinVar variation 581328 (VCV000581328.19), dbSNP rs756664681, ClinGen allele CA7738800.